The following is an entry in ClinVar:

NM_031471.6(FERMT3):c.124A>G (p.Ile42Val)

Gene: FERMT3 (FERM domain containing kindlin 3; plus strand). Cytogenetic location: 11q13.1.
Variant type: single nucleotide variant.
Coding change: c.124A>G on transcript NM_031471.6 (MANE Select); coding-DNA position 124, A replaced by G.
Protein change: p.Ile42Val; replaces isoleucine 42 with valine.
Molecular consequence: missense variant.
Genome position (GRCh38, 1-based): chr11:64,207,488, A>G. VCF-style: chr11-64207488-A-G. GRCh37 (hg19) VCF-style: chr11-63974960-A-G.
Other names: c.124A>G, p.Ile42Val (NM_001382361.1, NM_001382362.1, NM_001382448.1 and 1 more transcripts); short protein forms I42V.
Identifiers: ClinVar variation 2172888 (VCV002172888.1), dbSNP rs200960603, ClinGen allele CA6068640.

ClinVar aggregate classification (germline): Uncertain significance (1 of 4 stars; one submission).

Conditions:
Leukocyte adhesion deficiency 3. Also called: Leukocyte adhesion deficiency, type III; INTEGRIN ACTIVATION DEFICIENCY DISEASE; LEUKOCYTE ADHESION DEFICIENCY 1 VARIANT. Identifiers: Orphanet 2968, Orphanet 99844, MedGen C2748536, MONDO:0013016, OMIM 612840.

Allele frequency attached by ClinVar (database versions not stated): TOPMed 0.00001; ExAC 0.00003; ESP Exome Variant Server 0.00008; gnomAD exomes 0.00014.

Submission:

Labcorp Genetics (formerly Invitae), Labcorp
Classification: Uncertain significance for Leukocyte adhesion deficiency 3. Last evaluated: 2022-08-16. Review status: criteria provided, single submitter. Criteria: Invitae Variant Classification Sherloc (09022015). Collection method: clinical testing. Allele origin: germline.
Comment: This sequence change replaces isoleucine, which is neutral and non-polar, with valine, which is neutral and non-polar, at codon 42 of the FERMT3 protein (p.Ile42Val). This variant is present in population databases (rs200960603, gnomAD 0.004%). This variant has not been reported in the literature in individuals affected with FERMT3-related conditions. Algorithms developed to predict the effect of missense changes on protein structure and function output the following: SIFT: "Tolerated"; PolyPhen-2: "Benign"; Align-GVGD: "Class C0". The valine amino acid residue is found in multiple mammalian species, which suggests that this missense change does not adversely affect protein function. In summary, the available evidence is currently insufficient to determine the role of this variant in disease. Therefore, it has been classified as a Variant of Uncertain Significance.